The following is an entry in ClinVar:

ClinVar aggregate classification (germline): Likely pathogenic (1 of 4 stars; one submission).

Submission:

Labcorp Genetics (formerly Invitae), Labcorp
Classification: Likely pathogenic. Last evaluated: 2025-12-01. Review status: criteria provided, single submitter. Criteria: Invitae Variant Classification Sherloc (09022015). Collection method: clinical testing. Allele origin: germline.
Comment: This sequence change affects an acceptor splice site in intron 22 of the LOXHD1 gene. It is expected to disrupt RNA splicing. Variants that disrupt the donor or acceptor splice site typically lead to a loss of protein function (PMID: 16199547), and loss-of-function variants in LOXHD1 are known to be pathogenic (PMID: 19732867, 21465660, 25792669). This variant is not present in population databases (gnomAD no frequency). This variant has not been reported in the literature in individuals affected with LOXHD1-related conditions. Algorithms developed to predict the effect of sequence changes on RNA splicing suggest that this variant may disrupt the consensus splice site. In summary, the currently available evidence indicates that the variant is pathogenic, but additional data are needed to prove that conclusively. Therefore, this variant has been classified as Likely Pathogenic.

Literature cited by the submitters: PubMed 16199547; PubMed 19732867; PubMed 21465660; PubMed 25792669.

NM_001384474.1(LOXHD1):c.3515-2A>C

Gene: LOXHD1 (lipoxygenase homology PLAT domains 1; minus strand). Cytogenetic location: 18q21.1.
Variant type: single nucleotide variant.
Coding change: c.3515-2A>C on transcript NM_001384474.1 (MANE Select); the canonical splice acceptor site of the intron before coding-DNA position 3515, A replaced by C.
Molecular consequence: splice acceptor variant.
Genome position (GRCh38, 1-based): chr18:46,545,423, T>G on the plus strand (A>C on the coding strand, the complement: LOXHD1 is on the minus strand). VCF-style: chr18-46545423-T-G. GRCh37 (hg19) VCF-style: chr18-44125386-T-G.
Other names: c.182-2A>C (NM_001145472.3); c.-107-2A>C (NM_001308013.2); c.3515-2A>C (NM_144612.7).
Identifiers: ClinVar variation 4732300 (VCV004732300.1).